The following is an entry in ClinVar:

NM_001142864.4(PIEZO1):c.2982C>G (p.Phe994Leu)

Genes: HSALR1 (HSP90AB1 associated lncRNA 1; plus strand), PIEZO1 (piezo type mechanosensitive ion channel component 1 (Er blood group); minus strand). Cytogenetic location: 16q24.3.
Variant type: single nucleotide variant.
Coding change: c.2982C>G on transcript NM_001142864.4 (MANE Select); coding-DNA position 2982, C replaced by G.
Protein change: p.Phe994Leu; replaces phenylalanine 994 with leucine.
Molecular consequence: missense variant.
Genome position (GRCh38, 1-based): chr16:88,732,344, G>C on the plus strand (C>G on the coding strand, the complement: PIEZO1 is on the minus strand). VCF-style: chr16-88732344-G-C. GRCh37 (hg19) VCF-style: chr16-88798752-G-C.
Other names: p.Phe994Leu; c.2982C>G (NM_001142864.3, NM_001142864.2); short protein forms F994L.
Identifiers: ClinVar variation 1595847 (VCV001595847.15), dbSNP rs374262841, ClinGen allele CA8232665.
Genomic context (GRCh38, chr16:88,732,344, plus strand): 5'-CCTCCCGAAGGCCAAGCCCTGCCCCAGGGGGAGGCAATGTCCTTGCCTCACCTCCAGCCC[G>C]AATTTGTAGAAGAAGAAGTTGATGAAGTACTTGAGGCAGCCGAGCAGATCCTGGTCCAGC-3'
Protein context (NP_001136336.2, residues 984-1004): KYFINFFFYK[Phe994Leu]GLEICFLMAV

ClinVar aggregate classification (germline): Conflicting classifications of pathogenicity. Review status: criteria provided, conflicting classifications (1 of 4 stars). 6 submissions from 6 submitters: Uncertain significance (3); Likely benign (2). 1 of the submissions does not count toward it. Last evaluated 2025-03-13.

Conditions:
PIEZO1-related disorder. Also called: PIEZO1-Related Disorders; PIEZO1-related condition.
Inborn genetic diseases. Identifiers: MedGen C0950123, MeSH D030342.

Allele frequency attached by ClinVar (database versions not stated): 1000 Genomes Project 0.00020; 1000 Genomes Project 30x 0.00031.
gnomAD v4.1: 183 of 1,549,272 alleles (0.012%); highest among the groups gnomAD compares: African/African-American, 0.23%; 1 homozygote.

Submissions (6):

Labcorp Genetics (formerly Invitae), Labcorp
Classification: Likely benign. Last evaluated: 2025-03-13. Review status: criteria provided, single submitter. Criteria: Invitae Variant Classification Sherloc (09022015). Collection method: clinical testing. Allele origin: germline.

Revvity Omics, Revvity
Classification: Uncertain significance. Last evaluated: 2024-07-17. Review status: criteria provided, single submitter. Criteria: ACMG Guidelines, 2015. Collection method: clinical testing. Allele origin: germline.

Mayo Clinic Laboratories, Mayo Clinic
Classification: Uncertain significance. Last evaluated: 2023-09-25. Review status: criteria provided, single submitter. Criteria: ACMG Guidelines, 2015. Collection method: clinical testing. Allele origin: germline. Observed: 2 variant alleles.

ARUP Laboratories, Molecular Genetics and Genomics, ARUP Laboratories
Classification: Likely benign. Last evaluated: 2023-09-14. Review status: criteria provided, single submitter. Criteria: ARUP Molecular Germline Variant Investigation Process 2024. Collection method: clinical testing. Allele origin: germline.

Ambry Genetics
Classification: Uncertain significance for Inborn genetic diseases. Last evaluated: 2021-08-02. Review status: criteria provided, single submitter. Criteria: Ambry Variant Classification Scheme 2023. Collection method: clinical testing. Allele origin: germline.

PreventionGenetics, part of Exact Sciences
Classification: Likely benign for PIEZO1-related condition. Last evaluated: 2023-09-27. Review status: no assertion criteria provided. Collection method: clinical testing. Allele origin: germline. Not counted in ClinVar's aggregate classification.
Comment: This variant is classified as likely benign based on ACMG/AMP sequence variant interpretation guidelines (Richards et al. 2015 PMID: 25741868, with internal and published modifications).